The following is an entry in ClinVar:

NM_178526.5(SLC25A42):c.814C>G (p.Arg272Gly)

Gene: SLC25A42 (solute carrier family 25 member 42; plus strand). Cytogenetic location: 19p13.11.
Variant type: single nucleotide variant.
Coding change: c.814C>G on transcript NM_178526.5 (MANE Select); coding-DNA position 814, C replaced by G.
Protein change: p.Arg272Gly; replaces arginine 272 with glycine.
Molecular consequence: missense variant.
Genome position (GRCh38, 1-based): chr19:19,110,733, C>G. VCF-style: chr19-19110733-C-G. GRCh37 (hg19) VCF-style: chr19-19221542-C-G.
Other names: c.814C>G, p.Arg272Gly (NM_001321544.2); short protein forms R272G.
Identifiers: ClinVar variation 2004222 (VCV002004222.4), dbSNP rs1406128986, ClinGen allele CA404898022.

ClinVar aggregate classification (germline): Uncertain significance (1 of 4 stars; one submission).

Submission:

Labcorp Genetics (formerly Invitae), Labcorp
Classification: Uncertain significance. Last evaluated: 2022-06-10. Review status: criteria provided, single submitter. Criteria: Invitae Variant Classification Sherloc (09022015). Collection method: clinical testing. Allele origin: germline.
Comment: This sequence change replaces arginine, which is basic and polar, with glycine, which is neutral and non-polar, at codon 272 of the SLC25A42 protein (p.Arg272Gly). This variant is not present in population databases (gnomAD no frequency). This variant has not been reported in the literature in individuals affected with SLC25A42-related conditions. Algorithms developed to predict the effect of missense changes on protein structure and function (SIFT, PolyPhen-2, Align-GVGD) all suggest that this variant is likely to be tolerated. In summary, the available evidence is currently insufficient to determine the role of this variant in disease. Therefore, it has been classified as a Variant of Uncertain Significance.